The following is an entry in ClinVar:

ClinVar aggregate classification (germline): Uncertain significance (1 of 4 stars; one submission).

Conditions:
Charcot-Marie-Tooth disease type 2. Also called: Charcot-Marie-Tooth type 2. Identifiers: Orphanet 64746, MedGen C0270914, MONDO:0018993.

Submission:

Labcorp Genetics (formerly Invitae), Labcorp
Classification: Uncertain significance for Charcot-Marie-Tooth disease type 2. Last evaluated: 2025-08-25. Review status: criteria provided, single submitter. Criteria: Invitae Variant Classification Sherloc (09022015). Collection method: clinical testing. Allele origin: germline.
Comment: This sequence change replaces threonine, which is neutral and polar, with proline, which is neutral and non-polar, at codon 827 of the KIF1B protein (p.Thr827Pro). This variant is not present in population databases (gnomAD no frequency). This variant has not been reported in the literature in individuals affected with KIF1B-related conditions. ClinVar contains an entry for this variant (Variation ID: 1975283). Invitae Evidence Modeling of protein sequence and biophysical properties (such as structural, functional, and spatial information, amino acid conservation, physicochemical variation, residue mobility, and thermodynamic stability) indicates that this missense variant is not expected to disrupt KIF1B protein function with a negative predictive value of 80%. In summary, the available evidence is currently insufficient to determine the role of this variant in disease. Therefore, it has been classified as a Variant of Uncertain Significance.

NM_001365951.3(KIF1B):c.2617A>C (p.Thr873Pro)

Gene: KIF1B (kinesin family member 1B; plus strand). Cytogenetic location: 1p36.22.
Variant type: single nucleotide variant.
Coding change: c.2617A>C on transcript NM_001365951.3 (MANE Select); coding-DNA position 2617, A replaced by C.
Protein change: p.Thr873Pro; replaces threonine 873 with proline.
Molecular consequence: missense variant.
Genome position (GRCh38, 1-based): chr1:10,324,837, A>C. VCF-style: chr1-10324837-A-C. GRCh37 (hg19) VCF-style: chr1-10384895-A-C.
Other names: c.2617A>C, p.Thr873Pro (NM_001365952.1); c.2479A>C, p.Thr827Pro (NM_015074.3); short protein forms T873P, T827P.
Identifiers: ClinVar variation 1975283 (VCV001975283.5), dbSNP rs1486201239, ClinGen allele CA338335701.